The following is an entry in ClinVar:

NM_001040716.2(PC):c.1684G>C (p.Gly562Arg)

Gene: PC (pyruvate carboxylase; minus strand). Cytogenetic location: 11q13.2.
Variant type: single nucleotide variant.
Coding change: c.1684G>C on transcript NM_001040716.2 (MANE Select); coding-DNA position 1684, G replaced by C.
Protein change: p.Gly562Arg; replaces glycine 562 with arginine.
Molecular consequence: missense variant.
Genome position (GRCh38, 1-based): chr11:66,852,580, C>G on the plus strand (G>C on the coding strand, the complement: PC is on the minus strand). VCF-style: chr11-66852580-C-G. GRCh37 (hg19) VCF-style: chr11-66620051-C-G.
Other names: c.1684G>C, p.Gly562Arg (NM_000920.4, NM_022172.3); short protein forms G562R.
Identifiers: ClinVar variation 430467 (VCV000430467.6), dbSNP rs746060650, ClinGen allele CA6131290.

ClinVar aggregate classification (germline): Uncertain significance. Review status: criteria provided, multiple submitters, no conflicts (2 of 4 stars). 3 submissions from 3 submitters: Uncertain significance (3). Last evaluated 2026-09-11.

Conditions:
Inborn genetic diseases. Identifiers: MedGen C0950123, MeSH D030342.
Pyruvate carboxylase deficiency. Also called: ATAXIA WITH LACTIC ACIDOSIS II; Pyruvate Carboxylase Deficiency Disease; LEIGH NECROTIZING ENCEPHALOPATHY DUE TO PYRUVATE CARBOXYLASE DEFICIENCY; LEIGH SYNDROME DUE TO PYRUVATE CARBOXYLASE DEFICIENCY; PC DEFICIENCY. Identifiers: Orphanet 3008, MedGen C0034341, MONDO:0009949, OMIM 266150.

Allele frequency attached by ClinVar (database versions not stated): gnomAD exomes 0.00005 and 0.00010; ExAC 0.00011; gnomAD 0.00001 and 0.00002; TOPMed 0.00002.
gnomAD v4.1: 88 of 1,613,890 alleles (0.0055%); highest among the groups gnomAD compares: Middle Eastern, 0.39%; 1 homozygote.

Submissions (3):

GeneDx
Classification: Uncertain significance. Last evaluated: 2026-09-11. Review status: criteria provided, single submitter. Criteria: GeneDx Variant Classification Process June 2021. Collection method: clinical testing. Allele origin: germline.
Comment: In silico analysis supports that this missense variant has a deleterious effect on protein structure/function; Has not been previously published as pathogenic or benign to our knowledge

Ambry Genetics
Classification: Uncertain significance for Inborn genetic diseases. Last evaluated: 2025-08-24. Review status: criteria provided, single submitter. Criteria: Ambry Variant Classification Scheme 2023. Collection method: clinical testing. Allele origin: germline.

Labcorp Genetics (formerly Invitae), Labcorp
Classification: Uncertain significance for Pyruvate carboxylase deficiency. Last evaluated: 2021-08-30. Review status: criteria provided, single submitter. Criteria: Invitae Variant Classification Sherloc (09022015). Collection method: clinical testing. Allele origin: germline.
Comment: This sequence change replaces glycine with arginine at codon 562 of the PC protein (p.Gly562Arg). The glycine residue is highly conserved and there is a moderate physicochemical difference between glycine and arginine. This variant is present in population databases (rs746060650, ExAC 0.05%). This variant has not been reported in the literature in individuals affected with PC-related conditions. ClinVar contains an entry for this variant (Variation ID: 430467). Algorithms developed to predict the effect of missense changes on protein structure and function are either unavailable or do not agree on the potential impact of this missense change (SIFT: "Deleterious"; PolyPhen-2: "Possibly Damaging"; Align-GVGD: "Class C0"). In summary, the available evidence is currently insufficient to determine the role of this variant in disease. Therefore, it has been classified as a Variant of Uncertain Significance.